The following is an entry in ClinVar:

NM_014014.5(SNRNP200):c.6104T>C (p.Val2035Ala)

Gene: SNRNP200 (small nuclear ribonucleoprotein U5 subunit 200; minus strand). Cytogenetic location: 2q11.2.
Variant type: single nucleotide variant.
Coding change: c.6104T>C on transcript NM_014014.5 (MANE Select); coding-DNA position 6104, T replaced by C.
Protein change: p.Val2035Ala; replaces valine 2035 with alanine.
Molecular consequence: missense variant.
Genome position (GRCh38, 1-based): chr2:96,276,974, A>G on the plus strand (T>C on the coding strand, the complement: SNRNP200 is on the minus strand). VCF-style: chr2-96276974-A-G. GRCh37 (hg19) VCF-style: chr2-96942712-A-G.
Other names: short protein forms V2035A.
Identifiers: ClinVar variation 2710514 (VCV002710514.3), dbSNP rs1348016504, ClinGen allele CA347656464.

ClinVar aggregate classification (germline): Uncertain significance (1 of 4 stars; one submission).

Submission:

Labcorp Genetics (formerly Invitae), Labcorp
Classification: Uncertain significance. Last evaluated: 2024-01-30. Review status: criteria provided, single submitter. Criteria: Invitae Variant Classification Sherloc (09022015). Collection method: clinical testing. Allele origin: germline.
Comment: This sequence change replaces valine, which is neutral and non-polar, with alanine, which is neutral and non-polar, at codon 2035 of the SNRNP200 protein (p.Val2035Ala). This variant is not present in population databases (gnomAD no frequency). This variant has not been reported in the literature in individuals affected with SNRNP200-related conditions. Advanced modeling of protein sequence and biophysical properties (such as structural, functional, and spatial information, amino acid conservation, physicochemical variation, residue mobility, and thermodynamic stability) performed at Invitae indicates that this missense variant is not expected to disrupt SNRNP200 protein function with a negative predictive value of 80%. In summary, the available evidence is currently insufficient to determine the role of this variant in disease. Therefore, it has been classified as a Variant of Uncertain Significance.